The following is an entry in ClinVar:

NM_024685.4(BBS10):c.1835A>G (p.Tyr612Cys)

Gene: BBS10 (Bardet-Biedl syndrome 10; minus strand). Cytogenetic location: 12q21.2.
Variant type: single nucleotide variant.
Coding change: c.1835A>G on transcript NM_024685.4 (MANE Select); coding-DNA position 1835, A replaced by G.
Protein change: p.Tyr612Cys; replaces tyrosine 612 with cysteine.
Molecular consequence: missense variant.
Genome position (GRCh38, 1-based): chr12:76,346,150, T>C on the plus strand (A>G on the coding strand, the complement: BBS10 is on the minus strand). VCF-style: chr12-76346150-T-C. GRCh37 (hg19) VCF-style: chr12-76739930-T-C.
Other names: short protein forms Y612C.
Identifiers: ClinVar variation 4761207 (VCV004761207.1).

ClinVar aggregate classification (germline): Uncertain significance (1 of 4 stars; one submission).

Conditions:
Bardet-Biedl syndrome (BBS). Identifiers: Orphanet 110, MedGen C0752166, MONDO:0015229.

gnomAD v4.1: 2 of 1,610,310 alleles (0.00012%); highest among the groups gnomAD compares: Non-Finnish European, 0.00017%; no homozygotes.

Submission:

Labcorp Genetics (formerly Invitae), Labcorp
Classification: Uncertain significance for Bardet-Biedl syndrome. Last evaluated: 2025-10-18. Review status: criteria provided, single submitter. Criteria: Invitae Variant Classification Sherloc (09022015). Collection method: clinical testing. Allele origin: germline.
Comment: This sequence change replaces tyrosine, which is neutral and polar, with cysteine, which is neutral and slightly polar, at codon 612 of the BBS10 protein (p.Tyr612Cys). This variant is not present in population databases (gnomAD no frequency). This variant has not been reported in the literature in individuals affected with BBS10-related conditions. Invitae Evidence Modeling of protein sequence and biophysical properties (such as structural, functional, and spatial information, amino acid conservation, physicochemical variation, residue mobility, and thermodynamic stability) indicates that this missense variant is expected to disrupt BBS10 protein function with a positive predictive value of 80%. In summary, the available evidence is currently insufficient to determine the role of this variant in disease. Therefore, it has been classified as a Variant of Uncertain Significance.